The following is an entry in ClinVar:

ClinVar aggregate classification (germline): Uncertain significance (1 of 4 stars; one submission).

Conditions:
Hereditary cancer-predisposing syndrome. Also called: Tumor predisposition; Hereditary neoplastic syndrome; Neoplastic Syndromes, Hereditary; Hereditary Cancer Syndrome. Identifiers: Orphanet 140162, MedGen C0027672, MeSH D009386, MONDO:0015356.

Submission:

Ambry Genetics
Classification: Uncertain significance for Hereditary cancer-predisposing syndrome. Last evaluated: 2025-04-20. Review status: criteria provided, single submitter. Criteria: Ambry Variant Classification Scheme 2023. Collection method: clinical testing. Allele origin: germline.
Comment: The p.L326I variant (also known as c.976C>A), located in coding exon 8 of the CHEK2 gene, results from a C to A substitution at nucleotide position 976. The leucine at codon 326 is replaced by isoleucine, an amino acid with highly similar properties. This amino acid position is conserved. In addition, the in silico prediction for this alteration is inconclusive. Based on the available evidence, the clinical significance of this variant remains unclear.

NM_007194.4(CHEK2):c.976C>A (p.Leu326Ile)

Gene: CHEK2 (checkpoint kinase 2; minus strand). Cytogenetic location: 22q12.1.
Variant type: single nucleotide variant.
Coding change: c.976C>A on transcript NM_007194.4 (MANE Select); coding-DNA position 976, C replaced by A.
Protein change: p.Leu326Ile; replaces leucine 326 with isoleucine.
Molecular consequence: missense variant.
Genome position (GRCh38, 1-based): chr22:28,699,870, G>T on the plus strand (C>A on the coding strand, the complement: CHEK2 is on the minus strand). VCF-style: chr22-28699870-G-T. GRCh37 (hg19) VCF-style: chr22-29095858-G-T.
Other names: c.1105C>A, p.Leu369Ile (NM_001005735.3); c.313C>A, p.Leu105Ile (NM_001257387.3); c.775C>A, p.Leu259Ile (NM_001349956.3); c.976C>A, p.Leu326Ile (NM_145862.3); short protein forms L259I, L326I, L369I, L105I.
Identifiers: ClinVar variation 4002261 (VCV004002261.1).